The following is an entry in ClinVar:

NM_001844.5(COL2A1):c.1862G>T (p.Gly621Val)

Gene: COL2A1 (collagen type II alpha 1 chain; minus strand). Cytogenetic location: 12q13.11.
Variant type: single nucleotide variant.
Coding change: c.1862G>T on transcript NM_001844.5 (MANE Select); coding-DNA position 1862, G replaced by T.
Protein change: p.Gly621Val; replaces glycine 621 with valine.
Molecular consequence: missense variant.
Genome position (GRCh38, 1-based): chr12:47,984,571, C>A on the plus strand (G>T on the coding strand, the complement: COL2A1 is on the minus strand). VCF-style: chr12-47984571-C-A. GRCh37 (hg19) VCF-style: chr12-48378354-C-A.
Other names: c.1655G>T, p.Gly552Val (NM_033150.3); short protein forms G621V, G552V.
Identifiers: ClinVar variation 1496380 (VCV001496380.8), dbSNP rs1939281881, ClinGen allele CA384549406.

ClinVar aggregate classification (germline): Likely pathogenic (1 of 4 stars; one submission).

Allele frequency attached by ClinVar (database versions not stated): TOPMed below 0.00001.

Submission:

Labcorp Genetics (formerly Invitae), Labcorp
Classification: Likely pathogenic. Last evaluated: 2021-07-14. Review status: criteria provided, single submitter. Criteria: Invitae Variant Classification Sherloc (09022015). Collection method: clinical testing. Allele origin: germline.
Comment: This sequence change replaces glycine with valine at codon 621 of the COL2A1 protein (p.Gly621Val). The glycine residue is highly conserved and there is a moderate physicochemical difference between glycine and valine. This variant is not present in population databases (ExAC no frequency). This variant has been observed in individual(s) with clinical features of COL2A1-related conditions (Invitae). Advanced modeling of protein sequence and biophysical properties (such as structural, functional, and spatial information, amino acid conservation, physicochemical variation, residue mobility, and thermodynamic stability) performed at Invitae indicates that this missense variant is expected to disrupt COL2A1 protein function. Algorithms developed to predict the effect of sequence changes on RNA splicing suggest that this variant may create or strengthen a splice site, but this prediction has not been confirmed by published transcriptional studies. This variant disrupts the triple helix domain of COL2A1. Glycine residues within the Gly-Xaa-Yaa repeats of the triple helix domain are required for the structure and stability of fibrillar collagens (PMID: 7695699, 8218237, 19344236). In COL2A1, variants affecting these glycine residues are significantly enriched in individuals with disease (PMID: 9016532, 17078022) compared to the general population (ExAC). In summary, the currently available evidence indicates that the variant is pathogenic, but additional data are needed to prove that conclusively. Therefore, this variant has been classified as Likely Pathogenic.

Literature cited by the submitters: PubMed 7695699; PubMed 8218237; PubMed 19344236; PubMed 9016532; PubMed 17078022.